The following is an entry in ClinVar:

ClinVar aggregate classification (germline): Uncertain significance. Review status: criteria provided, multiple submitters, no conflicts (2 of 4 stars). 2 submissions from 2 submitters: Uncertain significance (2). Last evaluated 2025-10-05.

Conditions:
Hereditary cancer-predisposing syndrome. Also called: Hereditary Cancer Syndrome; Tumor predisposition; Hereditary neoplastic syndrome; Neoplastic Syndromes, Hereditary. Identifiers: Orphanet 140162, MedGen C0027672, MeSH D009386, MONDO:0015356.

gnomAD v4.1: 1 of 1,613,674 alleles (0.000062%); highest among the groups gnomAD compares: Non-Finnish European, 0.000085%; no homozygotes.

Submissions (2):

Ambry Genetics
Classification: Uncertain significance for Hereditary cancer-predisposing syndrome. Last evaluated: 2025-10-05. Review status: criteria provided, single submitter. Criteria: Ambry Variant Classification Scheme 2023. Collection method: clinical testing. Allele origin: germline.
Comment: The p.V242M variant (also known as c.724G>A), located in coding exon 5 of the NTHL1 gene, results from a G to A substitution at nucleotide position 724. The valine at codon 242 is replaced by methionine, an amino acid with highly similar properties. This amino acid position is conserved. In addition, this alteration is predicted to be deleterious by in silico analysis. Since supporting evidence is limited at this time, the clinical significance of this alteration remains unclear.

Labcorp Genetics (formerly Invitae), Labcorp
Classification: Uncertain significance. Last evaluated: 2018-07-20. Review status: criteria provided, single submitter. Criteria: Invitae Variant Classification Sherloc (09022015). Collection method: clinical testing. Allele origin: germline.
Comment: In summary, the available evidence is currently insufficient to determine the role of this variant in disease. Therefore, it has been classified as a Variant of Uncertain Significance. Algorithms developed to predict the effect of missense changes on protein structure and function are either unavailable or do not agree on the potential impact of this missense change (SIFT: "Deleterious"; PolyPhen-2: "Probably Damaging"; Align-GVGD: "Class C0"). This variant has not been reported in the literature in individuals with NTHL1-related disease. This variant is not present in population databases (ExAC no frequency). This sequence change replaces valine with methionine at codon 242 of the NTHL1 protein (p.Val242Met). The valine residue is highly conserved and there is a small physicochemical difference between valine and methionine.

NM_002528.7(NTHL1):c.700G>A (p.Val234Met)

Gene: NTHL1 (nth like DNA glycosylase 1; minus strand). Cytogenetic location: 16p13.3.
Variant type: single nucleotide variant.
Coding change: c.700G>A on transcript NM_002528.7 (MANE Select); coding-DNA position 700, G replaced by A.
Protein change: p.Val234Met; replaces valine 234 with methionine.
Molecular consequence: missense variant.
Genome position (GRCh38, 1-based): chr16:2,040,224, C>T on the plus strand (G>A on the coding strand, the complement: NTHL1 is on the minus strand). VCF-style: chr16-2040224-C-T. GRCh37 (hg19) VCF-style: chr16-2090225-C-T.
Other names: c.529G>A, p.Val177Met (NM_001318193.2); c.370G>A, p.Val124Met (NM_001318194.2); c.700G>A, p.Val234Met (LRG_1366t1); c.724G>A (NM_002528.5); short protein forms V234M, V124M, V177M.
Identifiers: ClinVar variation 645951 (VCV000645951.10), dbSNP rs1596216485, ClinGen allele CA394289307.